The following is an entry in ClinVar:

ClinVar aggregate classification (germline): Likely pathogenic. Review status: criteria provided, single submitter (1 of 4 stars). 2 submissions from 2 submitters: Likely pathogenic (1). 1 of the submissions does not count toward it. Last evaluated 2025-11-06.

Conditions:
KIF21A-related disorder. Also called: KIF21A-related condition.

Submissions (2):

GeneDx
Classification: Likely pathogenic. Last evaluated: 2025-11-06. Review status: criteria provided, single submitter. Criteria: GeneDx Variant Classification Process June 2021. Collection method: clinical testing. Allele origin: germline. Affected: yes.
Comment: Not observed at significant frequency in large population cohorts (gnomAD); In silico analysis supports that this missense variant has a deleterious effect on protein structure/function; This variant is associated with the following publications: (PMID: 35982159, 33057194)

Undiagnosed Diseases Network, NIH
Classification: Uncertain significance for KIF21A-related condition. Last evaluated: 2022-09-26. Review status: no assertion criteria provided. Collection method: clinical testing. Allele origin: de novo. Affected: yes. Observed: 1 variant allele, 1 heterozygote. Not counted in ClinVar's aggregate classification.

NM_001173464.2(KIF21A):c.1991T>C (p.Leu664Pro)

Gene: KIF21A (kinesin family member 21A; minus strand). Cytogenetic location: 12q12.
Variant type: single nucleotide variant.
Coding change: c.1991T>C on transcript NM_001173464.2 (MANE Select); coding-DNA position 1991, T replaced by C.
Protein change: p.Leu664Pro; replaces leucine 664 with proline.
Molecular consequence: missense variant.
Genome position (GRCh38, 1-based): chr12:39,341,025, A>G on the plus strand (T>C on the coding strand, the complement: KIF21A is on the minus strand). VCF-style: chr12-39341025-A-G. GRCh37 (hg19) VCF-style: chr12-39734827-A-G.
Other names: P.L664P; c.1952T>C, p.Leu651Pro (NM_001173463.2, NM_001173465.2, NM_017641.4); short protein forms L651P, L664P.
Identifiers: ClinVar variation 432077 (VCV000432077.5), dbSNP rs1555167299, ClinGen allele CA384401387.